The following is an entry in ClinVar:

ClinVar aggregate classification (germline): Uncertain significance. Review status: criteria provided, multiple submitters, no conflicts (2 of 4 stars). 2 submissions from 2 submitters: Uncertain significance (2). Last evaluated 2024-02-08.

Conditions:
Hereditary cancer-predisposing syndrome. Also called: Neoplastic Syndromes, Hereditary; Hereditary Cancer Syndrome; Hereditary neoplastic syndrome; Tumor predisposition. Identifiers: Orphanet 140162, MedGen C0027672, MeSH D009386, MONDO:0015356.

Allele frequency attached by ClinVar (database versions not stated): gnomAD exomes below 0.00001.
gnomAD v4.1: 1 of 1,613,124 alleles (0.000062%); highest among the groups gnomAD compares: Non-Finnish European, 0.000085%; no homozygotes.

Submissions (2):

GeneDx
Classification: Uncertain significance. Last evaluated: 2024-02-08. Review status: criteria provided, single submitter. Criteria: GeneDx Variant Classification Process June 2021. Collection method: clinical testing. Allele origin: germline. Affected: yes.
Comment: Not observed at significant frequency in large population cohorts (gnomAD); In silico analysis supports that this missense variant has a deleterious effect on protein structure/function; Has not been previously published as pathogenic or benign to our knowledge

Ambry Genetics
Classification: Uncertain significance for Hereditary cancer-predisposing syndrome. Last evaluated: 2023-06-14. Review status: criteria provided, single submitter. Criteria: Ambry Variant Classification Scheme 2023. Collection method: clinical testing. Allele origin: germline.
Comment: The p.S609I variant (also known as c.1826G>T), located in coding exon 16 of the TSC2 gene, results from a G to T substitution at nucleotide position 1826. The serine at codon 609 is replaced by isoleucine, an amino acid with dissimilar properties. This amino acid position is well conserved in available vertebrate species. In addition, this alteration is predicted to be deleterious by in silico analysis. Since supporting evidence is limited at this time, the clinical significance of this alteration remains unclear.

NM_000548.5(TSC2):c.1826G>T (p.Ser609Ile)

Gene: TSC2 (TSC complex subunit 2; plus strand). Cytogenetic location: 16p13.3.
Variant type: single nucleotide variant.
Coding change: c.1826G>T on transcript NM_000548.5 (MANE Select); coding-DNA position 1826, G replaced by T.
Protein change: p.Ser609Ile; replaces serine 609 with isoleucine.
Molecular consequence: missense variant. On other transcripts: non-coding transcript variant (5).
Genome position (GRCh38, 1-based): chr16:2,070,565, G>T. VCF-style: chr16-2070565-G-T. GRCh37 (hg19) VCF-style: chr16-2120566-G-T.
Other names: c.1826G>T, p.Ser609Ile (NM_001077183.3, NM_001114382.3, NM_001363528.2 and 6 more transcripts); c.1715G>T, p.Ser572Ile (NM_001318827.2, NM_001406670.1, NM_001406678.1); c.1679G>T, p.Ser560Ile (NM_001318829.2, NM_001406675.1, NM_001406676.1 and 1 more transcripts); c.1226G>T, p.Ser409Ile (NM_001318831.2, NM_001406680.1, NM_001406682.1 and 6 more transcripts); c.1859G>T, p.Ser620Ile (NM_001318832.2); c.1916G>T, p.Ser639Ile (NM_001406667.1, NM_001406668.1); c.1814G>T, p.Ser605Ile (NM_001406671.1, NM_001406673.1); c.1769G>T, p.Ser590Ile (NM_001406677.1); and 3 more; short protein forms S609I, S620I, S75I, S161I, S455I, S409I, S639I, S560I.
Identifiers: ClinVar variation 2564740 (VCV002564740.3), dbSNP rs2151281883, ClinGen allele CA394272998.
Genomic context (GRCh38, chr16:2,070,565, plus strand): 5'-TGCTGGTCAGCCACATTCAGCTCCACTACAAGCACAGCTACACCCTGCCAATCGCGAGCA[G>T]CATCCGGCTGCAGGTATGGTGGCTGGGGTTGCGCAGCCAGTTCCTGGGGGCCCAGCCAGG-3'
Protein context (NP_000539.2, residues 599-619): KHSYTLPIAS[Ser609Ile]IRLQAFDFLL